The following is an entry in ClinVar:

ClinVar aggregate classification (germline): Uncertain significance (1 of 4 stars; one submission).

Conditions:
Dyskeratosis congenita. Identifiers: Orphanet 1775, MedGen C0265965, MONDO:0015780.

gnomAD v4.1: 1 of 1,609,430 alleles (0.000062%); highest among the groups gnomAD compares: East Asian, 0.0022%; no homozygotes.

Submission:

Labcorp Genetics (formerly Invitae), Labcorp
Classification: Uncertain significance for Dyskeratosis congenita. Last evaluated: 2025-11-09. Review status: criteria provided, single submitter. Criteria: Invitae Variant Classification Sherloc (09022015). Collection method: clinical testing. Allele origin: germline.
Comment: This sequence change falls in intron 2 of the CTC1 gene. It does not directly change the encoded amino acid sequence of the CTC1 protein. It affects a nucleotide within the consensus splice site. This variant is not present in population databases (gnomAD no frequency). This variant has not been reported in the literature in individuals affected with CTC1-related conditions. Variants that disrupt the consensus splice site are a relatively common cause of aberrant splicing (PMID: 17576681, 9536098). Algorithms developed to predict the effect of sequence changes on RNA splicing suggest that this variant is not likely to affect RNA splicing. In summary, the available evidence is currently insufficient to determine the role of this variant in disease. Therefore, it has been classified as a Variant of Uncertain Significance.

Literature cited by the submitters: PubMed 17576681; PubMed 9536098.

NM_025099.6(CTC1):c.197+3A>G

Gene: CTC1 (CST telomere replication complex component 1; minus strand). Cytogenetic location: 17p13.1.
Variant type: single nucleotide variant.
Coding change: c.197+3A>G on transcript NM_025099.6 (MANE Select); 3 bases into the intron after coding-DNA position 197, A replaced by G.
Molecular consequence: intron variant.
Genome position (GRCh38, 1-based): chr17:8,242,982, T>C on the plus strand (A>G on the coding strand, the complement: CTC1 is on the minus strand). VCF-style: chr17-8242982-T-C. GRCh37 (hg19) VCF-style: chr17-8146300-T-C.
Other names: c.197+3A>G (NM_001411067.1).
Identifiers: ClinVar variation 4797232 (VCV004797232.1).